The following is an entry in ClinVar:

NM_006790.3(MYOT):c.1366G>A (p.Val456Ile)

Genes: PKD2L2-DT (PKD2L2 divergent transcript; minus strand), MYOT (myotilin; plus strand). Cytogenetic location: 5q31.2.
Variant type: single nucleotide variant.
Coding change: c.1366G>A on transcript NM_006790.3 (MANE Select); coding-DNA position 1366, G replaced by A.
Protein change: p.Val456Ile; replaces valine 456 with isoleucine.
Molecular consequence: missense variant.
Genome position (GRCh38, 1-based): chr5:137,887,254, G>A. VCF-style: chr5-137887254-G-A. GRCh37 (hg19) VCF-style: chr5-137222943-G-A.
Other names: c.814G>A, p.Val272Ile (NM_001135940.2); c.1021G>A, p.Val341Ile (NM_001300911.2); short protein forms V341I, V272I, V456I.
Identifiers: ClinVar variation 2199001 (VCV002199001.4), dbSNP rs1755631428, ClinGen allele CA361056775.

ClinVar aggregate classification (germline): Uncertain significance (1 of 4 stars; one submission).

Conditions:
Myofibrillar myopathy 3 (MFM3). Also called: Autosomal dominant spheroid body myopathy; Muscular dystrophy, proximal, type 1A. Identifiers: Orphanet 266, Orphanet 268129, MedGen C3714934, MONDO:0012215, OMIM 609200.

Allele frequency attached by ClinVar (database versions not stated): gnomAD exomes below 0.00001.

Submission:

Labcorp Genetics (formerly Invitae), Labcorp
Classification: Uncertain significance for Myofibrillar myopathy 3. Last evaluated: 2022-07-02. Review status: criteria provided, single submitter. Criteria: Invitae Variant Classification Sherloc (09022015). Collection method: clinical testing. Allele origin: germline.
Comment: In summary, the available evidence is currently insufficient to determine the role of this variant in disease. Therefore, it has been classified as a Variant of Uncertain Significance. Algorithms developed to predict the effect of missense changes on protein structure and function are either unavailable or do not agree on the potential impact of this missense change (SIFT: "Tolerated"; PolyPhen-2: "Possibly Damaging"; Align-GVGD: "Class C0"). This variant has not been reported in the literature in individuals affected with MYOT-related conditions. This variant is not present in population databases (gnomAD no frequency). This sequence change replaces valine, which is neutral and non-polar, with isoleucine, which is neutral and non-polar, at codon 456 of the MYOT protein (p.Val456Ile).